The following is an entry in ClinVar:

ClinVar aggregate classification (germline): Uncertain significance. Review status: criteria provided, multiple submitters, no conflicts (2 of 4 stars). 2 submissions from 2 submitters: Uncertain significance (2). Last evaluated 2025-06-29.

Conditions:
Tumor predisposition syndrome 3 (TPDS3). Also called: LONG TELOMERE SYNDROME, POT1-RELATED; POT1 Tumor Predisposition; Glioma susceptibility 9; Melanoma, cutaneous malignant, susceptibility to, 10. Identifiers: Orphanet 618, MedGen C4014476, MONDO:0014368, OMIM 615848.
Hereditary cancer-predisposing syndrome. Also called: Hereditary Cancer Syndrome; Neoplastic Syndromes, Hereditary; Hereditary neoplastic syndrome; Tumor predisposition. Identifiers: Orphanet 140162, MedGen C0027672, MeSH D009386, MONDO:0015356.

Allele frequency attached by ClinVar (database versions not stated): TOPMed below 0.00001; gnomAD exomes 0.00001.
gnomAD v4.1: 3 of 1,605,998 alleles (0.00019%); highest among the groups gnomAD compares: Admixed American, 0.005%; no homozygotes.

Submissions (2):

Ambry Genetics
Classification: Uncertain significance for Hereditary cancer-predisposing syndrome. Last evaluated: 2025-06-29. Review status: criteria provided, single submitter. Criteria: Ambry Variant Classification Scheme 2023. Collection method: clinical testing. Allele origin: germline.
Comment: The p.P592L variant (also known as c.1775C>T), located in coding exon 14 of the POT1 gene, results from a C to T substitution at nucleotide position 1775. The proline at codon 592 is replaced by leucine, an amino acid with similar properties. This amino acid position is highly conserved in available vertebrate species. In addition, this alteration is predicted to be deleterious by in silico analysis. Since supporting evidence is limited at this time, the clinical significance of this alteration remains unclear.

Labcorp Genetics (formerly Invitae), Labcorp
Classification: Uncertain significance for Tumor predisposition syndrome 3. Last evaluated: 2025-03-25. Review status: criteria provided, single submitter. Criteria: Invitae Variant Classification Sherloc (09022015). Collection method: clinical testing. Allele origin: germline.
Comment: This sequence change replaces proline, which is neutral and non-polar, with leucine, which is neutral and non-polar, at codon 592 of the POT1 protein (p.Pro592Leu). This variant is present in population databases (no rsID available, gnomAD 0.003%). This variant has not been reported in the literature in individuals affected with POT1-related conditions. ClinVar contains an entry for this variant (Variation ID: 1430847). Invitae Evidence Modeling of protein sequence and biophysical properties (such as structural, functional, and spatial information, amino acid conservation, physicochemical variation, residue mobility, and thermodynamic stability) indicates that this missense variant is not expected to disrupt POT1 protein function with a negative predictive value of 80%. In summary, the available evidence is currently insufficient to determine the role of this variant in disease. Therefore, it has been classified as a Variant of Uncertain Significance.

NM_015450.3(POT1):c.1775C>T (p.Pro592Leu)

Gene: POT1 (protection of telomeres 1; minus strand). Cytogenetic location: 7q31.33.
Variant type: single nucleotide variant.
Coding change: c.1775C>T on transcript NM_015450.3 (MANE Select); coding-DNA position 1775, C replaced by T.
Protein change: p.Pro592Leu; replaces proline 592 with leucine.
Molecular consequence: missense variant. On other transcripts: non-coding transcript variant (3).
Genome position (GRCh38, 1-based): chr7:124,825,269, G>A on the plus strand (C>T on the coding strand, the complement: POT1 is on the minus strand). VCF-style: chr7-124825269-G-A. GRCh37 (hg19) VCF-style: chr7-124465323-G-A.
Other names: c.1382C>T, p.Pro461Leu (NM_001042594.2); short protein forms P461L, P592L.
Identifiers: ClinVar variation 1430847 (VCV001430847.9), dbSNP rs1436064065, ClinGen allele CA369062137.